The following is an entry in ClinVar:

NM_206933.4(USH2A):c.10196_10201dup (p.Arg3400_Ile3401insSerArg)

Gene: USH2A (usherin; minus strand). Cytogenetic location: 1q41.
Variant type: Duplication.
Coding change: c.10196_10201dup on transcript NM_206933.4 (MANE Select); coding-DNA positions 10196 to 10201, 6 bases duplicated (GCAGGA; older notation c.10196_10201dupGCAGGA).
Protein change: p.Arg3400_Ile3401insSerArg.
Molecular consequence: inframe insertion.
Genome position (GRCh38, 1-based): chr1:215,786,856-215,786,861, TCCTGC duplicated on the plus strand (GCAGGA on the coding strand, the reverse complement: USH2A is on the minus strand). VCF-style (leftmost placement, unchanged base first): chr1-215786855-A-ATCCTGC. GRCh37 (hg19) VCF-style: chr1-215960197-A-ATCCTGC.
Identifiers: ClinVar variation 5004092 (VCV005004092.1).
Genomic context (GRCh38, chr1:215,786,855, plus strand): 5'-GTAAAGTTGAAGTCACACCTGCCACAATGTTCTGTGGCTTCCATAGATGCTGGGCAGAGG[A>ATCCTGC]TCCTGCACTCTTTGGTTTCCTGAGTCAAGTGGCAGGGGTGAGAGAGAGAGGGGTATTTAA-3'

ClinVar aggregate classification (germline): Uncertain significance (1 of 4 stars; one submission).

Conditions:
USH2A-related disorder. Also called: USH2A-related disorders; USH2A-related condition. Identifiers: MedGen CN239332.

Submission:

Myriad Genetics, Inc.
Classification: Uncertain significance for USH2A-related disorder. Last evaluated: 2026-08-18. Review status: criteria provided, single submitter. Criteria: Myriad Autosomal Dominant, Autosomal Recessive and X-Linked Classification Criteria (2023). Collection method: clinical testing. Allele origin: unknown.
Comment: NM_206933.2(USH2A):c.10196_10201dup6(R3400_I3401insSR) is an in-frame insertion classified as a variant of uncertain significance in the context of USH2A-related disorders. R3400_I3401insSR has not been observed in cases with relevant disease. Relevant functional assessments of this variant are not available in the literature. R3400_I3401insSR has not been observed in referenced population frequency databases. In summary, there is insufficient evidence to classify NM_206933.2(USH2A):c.10196_10201dup6(R3400_I3401insSR) as pathogenic or benign. Please note: this variant was assessed in the context of healthy population screening.